The following is an entry in ClinVar:

ClinVar aggregate classification (germline): Likely pathogenic. Review status: criteria provided, multiple submitters, no conflicts (2 of 4 stars). 2 submissions from 2 submitters: Likely pathogenic (2). Last evaluated 2025-09-10.

Conditions:
Hereditary cancer-predisposing syndrome. Also called: Hereditary Cancer Syndrome; Tumor predisposition; Neoplastic Syndromes, Hereditary; Hereditary neoplastic syndrome. Identifiers: Orphanet 140162, MedGen C0027672, MeSH D009386, MONDO:0015356.
Cardiovascular phenotype. Identifiers: MedGen CN230736.
Neurofibromatosis, type 1 (NF1). Also called: Peripheral type neurofibromatosis; NEUROFIBROMATOSIS, TYPE I, SOMATIC; VON RECKLINGHAUSEN DISEASE; Neurofibromatosis, type I. Identifiers: Orphanet 636, MedGen C0027831, MONDO:0018975, OMIM 162200. Disease mechanism: loss of function.

Submissions (2):

Labcorp Genetics (formerly Invitae), Labcorp
Classification: Likely pathogenic for Neurofibromatosis, type 1. Last evaluated: 2025-09-10. Review status: criteria provided, single submitter. Criteria: Invitae Variant Classification Sherloc (09022015). Collection method: clinical testing. Allele origin: germline.
Comment: This sequence change falls in intron 38 of the NF1 gene. It does not directly change the encoded amino acid sequence of the NF1 protein. It affects a nucleotide within the consensus splice site. This variant is not present in population databases (gnomAD no frequency). This variant has been observed in individual(s) with neurofibromatosis type 1 (internal data). ClinVar contains an entry for this variant (Variation ID: 2099192). Variants that disrupt the consensus splice site are a relatively common cause of aberrant splicing (PMID: 17576681, 9536098). Algorithms developed to predict the effect of sequence changes on RNA splicing suggest that this variant may disrupt the consensus splice site. This variant disrupts the c.5749+5G nucleotide in the NF1 gene. Other variant(s) that disrupt this nucleotide have been determined to be pathogenic (PMID: 17311297, 18546366; internal data). This suggests that this nucleotide is clinically significant, and that variants that disrupt this position are likely to be disease-causing. In summary, the currently available evidence indicates that the variant is pathogenic, but additional data are needed to prove that conclusively. Therefore, this variant has been classified as Likely Pathogenic.

Ambry Genetics
Classification: Likely pathogenic for Cardiovascular phenotype; Hereditary cancer-predisposing syndrome. Last evaluated: 2025-07-28. Review status: criteria provided, single submitter. Criteria: Ambry Variant Classification Scheme 2023. Collection method: clinical testing. Allele origin: germline.
Comment: The c.5749+5G>T intronic variant results from a G to T substitution 5 nucleotides after coding exon 38 in the NF1 gene. This nucleotide position is highly conserved in available vertebrate species. This variant was reported in individual(s) with features consistent with Neurofibromatosis type 1 (Ambry internal data). In silico splice site analysis predicts that this alteration will weaken the native splice donor site. RNA studies have demonstrated that this alteration results in abnormal splicing in the set of samples tested (Ambry internal data). This variant is considered to be rare based on population cohorts in the Genome Aggregation Database (gnomAD). Based on the majority of available evidence to date, this variant is likely to be pathogenic.

Literature cited by the submitters: PubMed 17576681 (cited by Labcorp Genetics (formerly Invitae), Labcorp); PubMed 9536098 (cited by Labcorp Genetics (formerly Invitae), Labcorp); PubMed 17311297 (cited by Labcorp Genetics (formerly Invitae), Labcorp); PubMed 18546366 (cited by Labcorp Genetics (formerly Invitae), Labcorp).

NM_001042492.3(NF1):c.5812+5G>T

Gene: NF1 (neurofibromin 1; plus strand). Cytogenetic location: 17q11.2.
Variant type: single nucleotide variant.
Coding change: c.5812+5G>T on transcript NM_001042492.3 (MANE Select); 5 bases into the intron after coding-DNA position 5812, G replaced by T.
Molecular consequence: intron variant.
Genome position (GRCh38, 1-based): chr17:31,330,503, G>T. VCF-style: chr17-31330503-G-T. GRCh37 (hg19) VCF-style: chr17-29657521-G-T.
Other names: c.5749+5G>T (NM_000267.3, NM_000267.4).
Identifiers: ClinVar variation 2099192 (VCV002099192.5), dbSNP rs1555533889, ClinGen allele CA2580093405.